The following is an entry in ClinVar:

ClinVar aggregate classification (germline): Uncertain significance (0 of 4 stars; one submission).

Conditions:
Prostate cancer. Also called: Malignant tumor of prostate. Identifiers: Orphanet 1331, MedGen C0376358, MONDO:0008315, HP:0012125.

Submission:

Science for Life laboratory,  Karolinska Institutet
Classification: Uncertain significance for Malignant tumor of prostate. Review status: no assertion criteria provided. Collection method: not provided. Allele origin: somatic.
Comment: TumorID:SWE-4
ClinVar note: Converted during submission from Unknown to Uncertain significance.

NM_001127258.3(HHIPL1):c.1471G>C (p.Gly491Arg)

Gene: HHIPL1 (HHIP like 1; plus strand). Cytogenetic location: 14q32.2.
Variant type: single nucleotide variant.
Coding change: c.1471G>C on transcript NM_001127258.3 (MANE Select); coding-DNA position 1471, G replaced by C.
Protein change: p.Gly491Arg; replaces glycine 491 with arginine.
Molecular consequence: missense variant.
Genome position (GRCh38, 1-based): chr14:99,660,375, G>C. VCF-style: chr14-99660375-G-C. GRCh37 (hg19) VCF-style: chr14-100126712-G-C.
Other names: c.1276G>C, p.Gly426Arg (NM_001329411.2); c.1471G>C, p.Gly491Arg (NM_032425.5); short protein forms G491R, G426R.
Identifiers: ClinVar variation 161519 (VCV000161519.2), dbSNP rs193920989, ClinGen allele CA174256.